The following is an entry in ClinVar:

NM_007327.4(GRIN1):c.1255A>C (p.Thr419Pro)

Gene: GRIN1 (glutamate ionotropic receptor NMDA type subunit 1; plus strand). Cytogenetic location: 9q34.3.
Variant type: single nucleotide variant.
Coding change: c.1255A>C on transcript NM_007327.4 (MANE Select); coding-DNA position 1255, A replaced by C.
Protein change: p.Thr419Pro; replaces threonine 419 with proline.
Molecular consequence: missense variant.
Genome position (GRCh38, 1-based): chr9:137,161,113, A>C. VCF-style: chr9-137161113-A-C. GRCh37 (hg19) VCF-style: chr9-140055565-A-C.
Other names: c.1255A>C, p.Thr419Pro (NM_021569.4, NM_000832.7); c.1318A>C, p.Thr440Pro (NM_001185090.2, NM_001185091.2); short protein forms T419P, T440P.
Identifiers: ClinVar variation 2579359 (VCV002579359.2), dbSNP rs763133592, ClinGen allele CA375715953.
Genomic context (GRCh38, chr9:137,161,113, plus strand): 5'-CAGATTGTGACGATCCACCAGGAGCCCTTCGTGTACGTCAAGCCCACGCTGAGTGATGGG[A>C]CATGCAAGGAGGAGTTCACAGTCAACGGCGACCCAGTCAAGAAGGTGATCTGCACCGGGC-3'
Protein context (NP_015566.1, residues 409-429): VYVKPTLSDG[Thr419Pro]CKEEFTVNGD

ClinVar aggregate classification (germline): Uncertain significance. Review status: criteria provided, multiple submitters, no conflicts (2 of 4 stars). 2 submissions from 2 submitters: Uncertain significance (2). Last evaluated 2025-08-09.

Conditions:
Neurodevelopmental disorder with or without hyperkinetic movements and seizures, autosomal dominant. Also called: Intellectual disability, autosomal dominant 8. Identifiers: MedGen C3280282, MONDO:0013655, OMIM 614254.

Submissions (2):

Labcorp Genetics (formerly Invitae), Labcorp
Classification: Uncertain significance for Neurodevelopmental disorder with or without hyperkinetic movements and seizures, autosomal dominant. Last evaluated: 2025-08-09. Review status: criteria provided, single submitter. Criteria: Invitae Variant Classification Sherloc (09022015). Collection method: clinical testing. Allele origin: germline.
Comment: This sequence change replaces threonine, which is neutral and polar, with proline, which is neutral and non-polar, at codon 419 of the GRIN1 protein (p.Thr419Pro). This variant is not present in population databases (gnomAD no frequency). This variant has not been reported in the literature in individuals affected with GRIN1-related conditions. ClinVar contains an entry for this variant (Variation ID: 2579359). Invitae Evidence Modeling of protein sequence and biophysical properties (such as structural, functional, and spatial information, amino acid conservation, physicochemical variation, residue mobility, and thermodynamic stability) has been performed for this missense variant. However, the output from this modeling did not meet the statistical confidence thresholds required to predict the impact of this variant on GRIN1 protein function. In summary, the available evidence is currently insufficient to determine the role of this variant in disease. Therefore, it has been classified as a Variant of Uncertain Significance.

GeneDx
Classification: Uncertain significance. Last evaluated: 2023-03-09. Review status: criteria provided, single submitter. Criteria: GeneDx Variant Classification Process June 2021. Collection method: clinical testing. Allele origin: germline. Affected: yes.
Comment: Not observed at significant frequency in large population cohorts (gnomAD); In silico analysis supports that this missense variant has a deleterious effect on protein structure/function; Has not been previously published as pathogenic or benign to our knowledge